The following is an entry in ClinVar:

NM_001164508.2(NEB):c.6730G>A (p.Asp2244Asn)

Gene: NEB (nebulin; minus strand). Cytogenetic location: 2q23.3.
Variant type: single nucleotide variant.
Coding change: c.6730G>A on transcript NM_001164508.2 (MANE Select); coding-DNA position 6730, G replaced by A.
Protein change: p.Asp2244Asn; replaces aspartic acid 2244 with asparagine.
Molecular consequence: missense variant.
Genome position (GRCh38, 1-based): chr2:151,655,347, C>T on the plus strand (G>A on the coding strand, the complement: NEB is on the minus strand). VCF-style: chr2-151655347-C-T. GRCh37 (hg19) VCF-style: chr2-152511861-C-T.
Other names: c.6730G>A, p.Asp2244Asn (NM_001164507.2, NM_001271208.2, NM_004543.5); short protein forms D2244N.
Identifiers: ClinVar variation 1935372 (VCV001935372.2), dbSNP rs2552252221, ClinGen allele CA348794547.

ClinVar aggregate classification (germline): Uncertain significance (1 of 4 stars; one submission).

Conditions:
Nemaline myopathy 2 (NEM2). Also called: Nemaline myopathy 2, autosomal recessive. Identifiers: MedGen C1850569, MONDO:0009725, OMIM 256030.

Submission:

Labcorp Genetics (formerly Invitae), Labcorp
Classification: Uncertain significance for Nemaline myopathy 2. Last evaluated: 2021-03-11. Review status: criteria provided, single submitter. Criteria: Invitae Variant Classification Sherloc (09022015). Collection method: clinical testing. Allele origin: germline.
Comment: This sequence change replaces aspartic acid with asparagine at codon 2244 of the NEB protein (p.Asp2244Asn). The aspartic acid residue is moderately conserved and there is a small physicochemical difference between aspartic acid and asparagine. This variant is not present in population databases (ExAC no frequency). This variant has not been reported in the literature in individuals with NEB-related conditions. Algorithms developed to predict the effect of missense changes on protein structure and function are either unavailable or do not agree on the potential impact of this missense change (SIFT: "Deleterious"; PolyPhen-2: "Not Available"; Align-GVGD: "Class C0"). In summary, the available evidence is currently insufficient to determine the role of this variant in disease. Therefore, it has been classified as a Variant of Uncertain Significance.